The following is an entry in ClinVar:

ClinVar aggregate classification (germline): Conflicting classifications of pathogenicity. Review status: criteria provided, conflicting classifications (1 of 4 stars). 12 submissions from 11 submitters: Uncertain significance (2); Benign (6); Likely benign (1). 3 of the submissions do not count toward it. Last evaluated 2026-01-27.

Conditions:
Spastic paraplegia. Identifiers: MedGen C0037772, HP:0001258.
Spastic tetraparesis. Also called: Spastic quadriparesis. Identifiers: MedGen C0575059, HP:0001285.
Hereditary spastic paraplegia 33. Also called: SPASTIC PARAPLEGIA 33, AUTOSOMAL DOMINANT. Identifiers: MedGen C1853251, MONDO:0012448, OMIM 610244.

Allele frequency attached by ClinVar (database versions not stated): gnomAD exomes 0.00861 and 0.00987; ExAC 0.01095; 1000 Genomes Project 0.02616; gnomAD 0.02717 and 0.02569; 1000 Genomes Project 30x 0.02764; TOPMed 0.02859.

Submissions 1 to 28 of 54:

Labcorp Genetics (formerly Invitae), Labcorp
Classification: Benign for Spastic paraplegia. Last evaluated: 2026-01-27. Review status: criteria provided, single submitter. Criteria: Invitae Variant Classification Sherloc (09022015). Collection method: clinical testing. Allele origin: germline.

Mayo Clinic Laboratories, Mayo Clinic
Classification: Benign. Last evaluated: 2023-05-24. Review status: criteria provided, single submitter. Criteria: ACMG Guidelines, 2015. Collection method: clinical testing. Allele origin: germline. Observed: 10 variant alleles.
Comment: BA1, BP4

Department of Pathology and Laboratory Medicine, Sinai Health System
Classification: Benign for Spastic paraplegia. Last evaluated: 2023-04-16. Review status: criteria provided, single submitter. Criteria: ACMG Guidelines, 2015. Collection method: research. Allele origin: germline.

GeneDx
Classification: Benign. Last evaluated: 2021-01-04. Review status: criteria provided, single submitter. Criteria: GeneDx Variant Classification Process June 2021. Collection method: clinical testing. Allele origin: germline. Affected: yes.
Comment: This variant is associated with the following publications: (PMID: 18606302, 20981092, 16826525, 27884173)

Mendelics
Classification: Benign for Hereditary spastic paraplegia 33. Last evaluated: 2019-05-28. Review status: criteria provided, single submitter. Criteria: Mendelics Assertion Criteria 2017. Collection method: clinical testing. Allele origin: unknown.

Illumina Laboratory Services, Illumina
Classification: Likely benign for Hereditary spastic paraplegia 33. Last evaluated: 2017-04-27. Review status: criteria provided, single submitter. Criteria: ICSL Variant Classification Criteria 13 December 2019. Collection method: clinical testing. Allele origin: germline.
Comment: This variant was observed as part of a predisposition screen in an ostensibly healthy population. A literature search was performed for the gene, cDNA change, and amino acid change (where applicable). Publications were found based on this search. The evidence from the literature, in combination with allele frequency data from public databases where available, was sufficient to determine this variant is unlikely to cause disease. Therefore, this variant is classified as likely benign.

Centre for Mendelian Genomics, University Medical Centre Ljubljana
Classification: Uncertain significance for Hereditary spastic paraplegia 33. Last evaluated: 2016-01-01. Review status: criteria provided, single submitter. Criteria: ACMG Guidelines, 2015. Collection method: clinical testing. Allele origin: unknown. Affected: yes.
Comment: This variant was classified as: Uncertain significance.

Eurofins Ntd Llc (ga)
Classification: Benign. Last evaluated: 2015-06-25. Review status: criteria provided, single submitter. Criteria: EGL Classification Definitions 2015. Collection method: clinical testing. Allele origin: germline. Observed: 1 variant allele, 1 heterozygote.

Centre for Mendelian Genomics, University Medical Centre Ljubljana
Classification: Uncertain significance for Spastic tetraparesis. Last evaluated: 2013-11-28. Review status: criteria provided, single submitter. Criteria: ACMG Guidelines, 2015. Collection method: clinical testing. Allele origin: unknown. Affected: yes.

OMIM
Classification: Uncertain significance for RECLASSIFIED - VARIANT OF UNKNOWN SIGNIFICANCE. Last evaluated: 2014-05-09. Review status: no assertion criteria provided. Collection method: literature only. Allele origin: germline. Not counted in ClinVar's aggregate classification.

Diagnostic Laboratory, Department of Genetics, University Medical Center Groningen
Classification: Benign. Review status: no assertion criteria provided. Collection method: clinical testing. Allele origin: germline. Affected: yes. Study: VKGL Data-share Consensus. Not counted in ClinVar's aggregate classification.

Dr. Peter K. Rogan Lab, Western University
No classification provided (evidence only). Condition: Lung cancer. Review status: no classification provided. Collection method: in vitro. Allele origin: not applicable. Functional consequence: retained intron. Not counted in ClinVar's aggregate classification.

Dr. Peter K. Rogan Lab, Western University
No classification provided (evidence only). Condition: Lung cancer. Review status: no classification provided. Collection method: in vitro. Allele origin: not applicable. Functional consequence: retained intron. Not counted in ClinVar's aggregate classification.

Dr. Peter K. Rogan Lab, Western University
No classification provided (evidence only). Condition: Melanoma. Review status: no classification provided. Collection method: in vitro. Allele origin: not applicable. Functional consequence: retained intron. Not counted in ClinVar's aggregate classification.

Dr. Peter K. Rogan Lab, Western University
No classification provided (evidence only). Condition: Melanoma. Review status: no classification provided. Collection method: in vitro. Allele origin: not applicable. Functional consequence: skipped exon. Not counted in ClinVar's aggregate classification.

Dr. Peter K. Rogan Lab, Western University
No classification provided (evidence only). Condition: Acute myeloid leukemia. Review status: no classification provided. Collection method: in vitro. Allele origin: not applicable. Functional consequence: retained intron. Not counted in ClinVar's aggregate classification.

Dr. Peter K. Rogan Lab, Western University
No classification provided (evidence only). Condition: Acute myeloid leukemia. Review status: no classification provided. Collection method: in vitro. Allele origin: not applicable. Functional consequence: retained intron. Not counted in ClinVar's aggregate classification.

Dr. Peter K. Rogan Lab, Western University
No classification provided (evidence only). Condition: Acute myeloid leukemia. Review status: no classification provided. Collection method: in vitro. Allele origin: not applicable. Functional consequence: retained intron. Not counted in ClinVar's aggregate classification.

Dr. Peter K. Rogan Lab, Western University
No classification provided (evidence only). Condition: Colon adenocarcinoma. Review status: no classification provided. Collection method: in vitro. Allele origin: not applicable. Functional consequence: retained intron. Not counted in ClinVar's aggregate classification.

Dr. Peter K. Rogan Lab, Western University
No classification provided (evidence only). Condition: Colon adenocarcinoma. Review status: no classification provided. Collection method: in vitro. Allele origin: not applicable. Functional consequence: retained intron. Not counted in ClinVar's aggregate classification.

Dr. Peter K. Rogan Lab, Western University
No classification provided (evidence only). Condition: Colorectal cancer. Review status: no classification provided. Collection method: in vitro. Allele origin: not applicable. Functional consequence: skipped exon. Not counted in ClinVar's aggregate classification.

Dr. Peter K. Rogan Lab, Western University
No classification provided (evidence only). Condition: Colorectal cancer. Review status: no classification provided. Collection method: in vitro. Allele origin: not applicable. Functional consequence: retained intron. Not counted in ClinVar's aggregate classification.

Dr. Peter K. Rogan Lab, Western University
No classification provided (evidence only). Condition: Thyroid cancer, nonmedullary, 1. Review status: no classification provided. Collection method: in vitro. Allele origin: not applicable. Functional consequence: retained intron. Not counted in ClinVar's aggregate classification.

Dr. Peter K. Rogan Lab, Western University
No classification provided (evidence only). Condition: Thyroid cancer, nonmedullary, 1. Review status: no classification provided. Collection method: in vitro. Allele origin: not applicable. Functional consequence: retained intron. Not counted in ClinVar's aggregate classification.

Dr. Peter K. Rogan Lab, Western University
No classification provided (evidence only). Condition: Thyroid cancer, nonmedullary, 1. Review status: no classification provided. Collection method: in vitro. Allele origin: not applicable. Functional consequence: retained intron. Not counted in ClinVar's aggregate classification.

Dr. Peter K. Rogan Lab, Western University
No classification provided (evidence only). Condition: Thyroid cancer, nonmedullary, 1. Review status: no classification provided. Collection method: in vitro. Allele origin: not applicable. Functional consequence: retained intron. Not counted in ClinVar's aggregate classification.

Dr. Peter K. Rogan Lab, Western University
No classification provided (evidence only). Condition: Thyroid cancer, nonmedullary, 1. Review status: no classification provided. Collection method: in vitro. Allele origin: not applicable. Functional consequence: retained intron. Not counted in ClinVar's aggregate classification.

Dr. Peter K. Rogan Lab, Western University
No classification provided (evidence only). Condition: Thyroid cancer, nonmedullary, 1. Review status: no classification provided. Collection method: in vitro. Allele origin: not applicable. Functional consequence: retained intron. Not counted in ClinVar's aggregate classification.

NM_001385875.1(ZFYVE27):c.572G>T (p.Gly191Val)

Gene: ZFYVE27 (zinc finger FYVE-type containing 27; plus strand). Cytogenetic location: 10q24.2.
Variant type: single nucleotide variant.
Coding change: c.572G>T on transcript NM_001385875.1 (MANE Select); coding-DNA position 572, G replaced by T.
Protein change: p.Gly191Val; replaces glycine 191 with valine.
Molecular consequence: missense variant. On other transcripts: non-coding transcript variant (15), intron variant (1).
Genome position (GRCh38, 1-based): chr10:97,749,494, G>T. VCF-style: chr10-97749494-G-T. GRCh37 (hg19) VCF-style: chr10-99509251-G-T.
Other names: c.368G>T, p.Gly123Val (NM_001385896.1, NM_001385897.1, NM_001385898.1 and 6 more transcripts); c.335G>T, p.Gly112Val (NM_001385899.1, NM_001385900.1, NM_001385903.1 and 2 more transcripts); c.314G>T, p.Gly105Val (NM_001385901.1, NM_001385902.1, NM_001174120.2 and 3 more transcripts); c.572G>T, p.Gly191Val (NM_001385877.1, NM_001385878.1, NM_001385879.1 and 8 more transcripts); c.536G>T, p.Gly179Val (NM_001385881.1); c.476G>T, p.Gly159Val (NM_001385885.1, NM_001385886.1, NM_001174119.2 and 3 more transcripts); c.278G>T, p.Gly93Val (NM_001174121.2, NM_001385915.1); c.218G>T, p.Gly73Val (NM_001174122.2, NM_001385918.1); and 3 more; short protein forms G191V, G159V, G105V, G73V, G93V, G112V, G123V, G179V.
Identifiers: ClinVar variation 1289 (VCV000001289.30), dbSNP rs35077384, ClinGen allele CA114909.